The following is an entry in ClinVar:

ClinVar aggregate classification (germline): Pathogenic (1 of 4 stars; one submission).

Conditions:
VPS13A-related neurodegenerative disease. Also called: ACANTHOCYTOSIS WITH NEUROLOGIC DISORDER; LEVINE-CRITCHLEY SYNDROME; Choreoacanthocytosis; Chorea-acanthocytosis; Choreaacanthocytosis; VPS13A Disease. Identifiers: Orphanet 2388, MedGen C0393576, MONDO:0008695, OMIM 200150.

Submission:

Myriad Genetics, Inc.
Classification: Pathogenic for VPS13A-related neurodegenerative disease. Last evaluated: 2024-05-14. Review status: criteria provided, single submitter. Criteria: Myriad Autosomal Dominant, Autosomal Recessive and X-Linked Classification Criteria (2023). Collection method: clinical testing. Allele origin: unknown.
Comment: NM_033305.2(VPS13A):c.229del1ins8(Q77Vfs*6) is expected to be pathogenic in the context of VPS13A disease. This variant is predicted to lead to an abnormal or absent protein product due to the creation of a premature termination codon in VPS13A, a gene where loss-of-function variants are known to be pathogenic. Please note: this variant was assessed in the context of healthy population screening.

NM_033305.3(VPS13A):c.229delinsGTCTCTAT (p.Gln77fs)

Gene: VPS13A (vacuolar protein sorting 13 homolog A; plus strand). Cytogenetic location: 9q21.2.
Variant type: Indel.
Coding change: c.229delinsGTCTCTAT on transcript NM_033305.3 (MANE Select); coding-DNA position 229, C replaced by GTCTCTAT.
Protein change: p.Gln77fs; shifts the reading frame from glutamine 77.
Molecular consequence: frameshift variant.
Genome position (GRCh38, 1-based): chr9:77,205,354, C replaced by GTCTCTAT. VCF-style: chr9-77205354-C-GTCTCTAT. GRCh37 (hg19) VCF-style: chr9-79820270-C-GTCTCTAT.
Other names: c.229delinsGTCTCTAT, p.Gln77fs (NM_001018037.2, NM_001018038.3, NM_015186.4); short protein forms Q77fs.
Identifiers: ClinVar variation 5010560 (VCV005010560.1).
Genomic context (GRCh38, chr9:77,205,354, plus strand): 5'-TTTTCCCAAAAAAATGTAGGTAATCTTAAACTTATAATTCCATGGAAAAACCTTTATACT[C>GTCTCTAT]AACCTGTTGAAGCCGTATTGGAAGAAATTTATTTACTTATAGTGCCTTCTTCTAGTAAGT-3'